The following is an entry in ClinVar:

ClinVar aggregate classification (germline): Uncertain significance (1 of 4 stars; one submission).

Conditions:
ALMS1-related disorder. Also called: ALMS1-related condition.

Allele frequency attached by ClinVar (database versions not stated): gnomAD exomes below 0.00001.
gnomAD v4.1: 2 of 1,613,944 alleles (0.00012%); highest among the groups gnomAD compares: Non-Finnish European, 0.00017%; no homozygotes.

Submission:

PreventionGenetics, part of Exact Sciences
Classification: Uncertain significance for ALMS1-related condition. Last evaluated: 2023-02-03. Review status: criteria provided, single submitter. Criteria: ACMG Guidelines, 2015. Collection method: clinical testing. Allele origin: germline.
Comment: The ALMS1 c.6161A>G variant is predicted to result in the amino acid substitution p.Asn2054Ser. To our knowledge, this variant has not been reported in the literature. This variant is reported in 0.0051% of alleles in individuals of East Asian descent in gnomAD. At this time, the clinical significance of this variant is uncertain due to the absence of conclusive functional and genetic evidence.

NM_001378454.1(ALMS1):c.6158A>G (p.Lys2053Arg)

Gene: ALMS1 (ALMS1 centrosome and basal body associated protein; plus strand). Cytogenetic location: 2p13.1.
Variant type: single nucleotide variant.
Coding change: c.6158A>G on transcript NM_001378454.1 (MANE Select); coding-DNA position 6158, A replaced by G.
Protein change: p.Lys2053Arg; replaces lysine 2053 with arginine.
Molecular consequence: missense variant.
Genome position (GRCh38, 1-based): chr2:73,452,685, A>G. VCF-style: chr2-73452685-A-G. GRCh37 (hg19) VCF-style: chr2-73679812-A-G.
Other names: c.6161A>G, p.Lys2054Arg (NM_015120.4); short protein forms K2053R, K2054R.
Identifiers: ClinVar variation 2634391 (VCV002634391.1), dbSNP rs2466108147, ClinGen allele CA347285113.
Genomic context (GRCh38, chr2:73,452,685, plus strand): 5'-CAAATGACCAGAAGACTCCATCCCAGACAGCTTTTCATAGTTCCTATTCTCAAACAGTAA[A>G]GCCCAATATTTTATTTCAACAGCAGTTGCCAGATAGAGATCAAAGTAAAGGTATTCTAAA-3'
Protein context (NP_001365383.1, residues 2043-2063): AFHSSYSQTV[Lys2053Arg]PNILFQQQLP